The following is an entry in ClinVar:

NM_144670.6(A2ML1):c.3062G>A (p.Gly1021Asp)

Gene: A2ML1 (alpha-2-macroglobulin like 1; plus strand). Cytogenetic location: 12p13.31.
Variant type: single nucleotide variant.
Coding change: c.3062G>A on transcript NM_144670.6 (MANE Select); coding-DNA position 3062, G replaced by A.
Protein change: p.Gly1021Asp; replaces glycine 1021 with aspartic acid.
Molecular consequence: missense variant.
Genome position (GRCh38, 1-based): chr12:8,857,543, G>A. VCF-style: chr12-8857543-G-A. GRCh37 (hg19) VCF-style: chr12-9010139-G-A.
Other names: c.1589G>A, p.Gly530Asp (NM_001282424.3); short protein forms G1021D, G530D.
Identifiers: ClinVar variation 3840261 (VCV003840261.1).
Genomic context (GRCh38, chr12:8,857,543, plus strand): 5'-CTAAAACCACATTTGGCTTCCCAGGGTACCAGAAGGAGCTGATGTACAAACACAGCAATG[G>A]CTCATACAGTGCCTTTGGGGAGCGAGATGGAAATGGAAACACATGGTAATATCACCCAAT-3'
Protein context (NP_653271.3, residues 1011-1031): QKELMYKHSN[Gly1021Asp]SYSAFGERDG

ClinVar aggregate classification (germline): Uncertain significance (1 of 4 stars; one submission).

gnomAD v4.1: 2 of 1,612,424 alleles (0.00012%); highest among the groups gnomAD compares: Admixed American, 0.0017%; no homozygotes.

Submission:

Ambry Genetics
Classification: Uncertain significance. Last evaluated: 2024-12-20. Review status: criteria provided, single submitter. Criteria: Ambry Variant Classification Scheme 2023. Collection method: clinical testing. Allele origin: germline.
Comment: The p.G1021D variant (also known as c.3062G>A), located in coding exon 25 of the A2ML1 gene, results from a G to A substitution at nucleotide position 3062. The glycine at codon 1021 is replaced by aspartic acid, an amino acid with similar properties. This amino acid position is conserved. In addition, this alteration is predicted to be deleterious by in silico analysis. Based on the available evidence, the clinical significance of this variant remains unclear.